The following is an entry in ClinVar:

ClinVar aggregate classification (germline): Uncertain significance (1 of 4 stars; one submission).

Conditions:
Hypertrophic cardiomyopathy 26. Also called: Cardiomyopathy, familial hypertrophic, 26. Identifiers: Orphanet 75249, MedGen C4310749, MONDO:0014883, OMIM 617047.
Myofibrillar myopathy 5. Also called: Filaminopathy (type); FILAMINOPATHY, AUTOSOMAL DOMINANT. Identifiers: Orphanet 171445, MedGen C1836050, MONDO:0012289, OMIM 609524.
Distal myopathy with posterior leg and anterior hand involvement. Also called: WILLIAMS DISTAL MYOPATHY. Identifiers: Orphanet 63273, MedGen C3279722, MONDO:0013550, OMIM 614065.

Allele frequency attached by ClinVar (database versions not stated): gnomAD exomes below 0.00001; ExAC 0.00001.
gnomAD v4.1: 1 of 1,613,910 alleles (0.000062%); highest among the groups gnomAD compares: Non-Finnish European, 0.000085%; no homozygotes.

Submission:

Labcorp Genetics (formerly Invitae), Labcorp
Classification: Uncertain significance for Distal myopathy with posterior leg and anterior hand involvement; Myofibrillar myopathy 5; Hypertrophic cardiomyopathy 26. Last evaluated: 2024-09-17. Review status: criteria provided, single submitter. Criteria: Invitae Variant Classification Sherloc (09022015). Collection method: clinical testing. Allele origin: germline.
Comment: This sequence change replaces glycine, which is neutral and non-polar, with glutamic acid, which is acidic and polar, at codon 700 of the FLNC protein (p.Gly700Glu). This variant is present in population databases (rs753057268, gnomAD 0.006%). This variant has not been reported in the literature in individuals affected with FLNC-related conditions. Invitae Evidence Modeling of protein sequence and biophysical properties (such as structural, functional, and spatial information, amino acid conservation, physicochemical variation, residue mobility, and thermodynamic stability) has been performed for this missense variant. However, the output from this modeling did not meet the statistical confidence thresholds required to predict the impact of this variant on FLNC protein function. In summary, the available evidence is currently insufficient to determine the role of this variant in disease. Therefore, it has been classified as a Variant of Uncertain Significance.

NM_001458.5(FLNC):c.2099G>A (p.Gly700Glu)

Gene: FLNC (filamin C; plus strand). Cytogenetic location: 7q32.1.
Variant type: single nucleotide variant.
Coding change: c.2099G>A on transcript NM_001458.5 (MANE Select); coding-DNA position 2099, G replaced by A.
Protein change: p.Gly700Glu; replaces glycine 700 with glutamic acid.
Molecular consequence: missense variant.
Genome position (GRCh38, 1-based): chr7:128,841,545, G>A. VCF-style: chr7-128841545-G-A. GRCh37 (hg19) VCF-style: chr7-128481599-G-A.
Other names: c.2099G>A, p.Gly700Glu (NM_001127487.2); short protein forms G700E.
Identifiers: ClinVar variation 2953529 (VCV002953529.3), dbSNP rs753057268, ClinGen allele CA4474587.